The following is an entry in ClinVar:

ClinVar aggregate classification (germline): Uncertain significance (1 of 4 stars; one submission).

Submission:

Labcorp Genetics (formerly Invitae), Labcorp
Classification: Uncertain significance. Last evaluated: 2022-08-09. Review status: criteria provided, single submitter. Criteria: Invitae Variant Classification Sherloc (09022015). Collection method: clinical testing. Allele origin: germline.
Comment: This sequence change replaces glycine, which is neutral and non-polar, with arginine, which is basic and polar, at codon 727 of the ARHGEF18 protein (p.Gly727Arg). This variant is not present in population databases (gnomAD no frequency). In summary, the available evidence is currently insufficient to determine the role of this variant in disease. Therefore, it has been classified as a Variant of Uncertain Significance. Algorithms developed to predict the effect of missense changes on protein structure and function are either unavailable or do not agree on the potential impact of this missense change (SIFT: "Deleterious"; PolyPhen-2: "Possibly Damaging"; Align-GVGD: "Class C15"). ClinVar contains an entry for this variant (Variation ID: 1474839). This variant has not been reported in the literature in individuals affected with ARHGEF18-related conditions.

NM_001367823.1(ARHGEF18):c.2743G>C (p.Gly915Arg)

Gene: ARHGEF18 (Rho/Rac guanine nucleotide exchange factor 18; plus strand). Cytogenetic location: 19p13.2.
Variant type: single nucleotide variant.
Coding change: c.2743G>C on transcript NM_001367823.1 (MANE Select); coding-DNA position 2743, G replaced by C.
Protein change: p.Gly915Arg; replaces glycine 915 with arginine.
Molecular consequence: missense variant.
Genome position (GRCh38, 1-based): chr19:7,463,925, G>C. VCF-style: chr19-7463925-G-C. GRCh37 (hg19) VCF-style: chr19-7528811-G-C.
Other names: c.2017G>C, p.Gly673Arg (NM_001130955.2); c.1705G>C, p.Gly569Arg (NM_001367824.1, NM_015318.4); short protein forms G673R, G569R, G915R.
Identifiers: ClinVar variation 1474839 (VCV001474839.8), dbSNP rs1198858576, ClinGen allele CA403082253.